The following is an entry in ClinVar:

ClinVar aggregate classification (germline): Uncertain significance (1 of 4 stars; one submission).

Conditions:
Inborn genetic diseases. Identifiers: MedGen C0950123, MeSH D030342.

Submission:

Ambry Genetics
Classification: Uncertain significance for Inborn genetic diseases. Last evaluated: 2026-07-19. Review status: criteria provided, single submitter. Criteria: Ambry Variant Classification Scheme 2023. Collection method: clinical testing. Allele origin: germline.
Comment: The p.D34V variant (also known as c.101A>T), located in coding exon 2 of the HAX1 gene, results from an A to T substitution at nucleotide position 101. The aspartic acid at codon 34 is replaced by valine, an amino acid with highly dissimilar properties. This amino acid position is conserved. In addition, this alteration is predicted to be tolerated by in silico analysis. Based on the available evidence, the clinical significance of this variant remains unclear.

NM_006118.4(HAX1):c.101A>T (p.Asp34Val)

Gene: HAX1 (HCLS1 associated protein X-1; plus strand). Cytogenetic location: 1q21.3.
Variant type: single nucleotide variant.
Coding change: c.101A>T on transcript NM_006118.4 (MANE Select); coding-DNA position 101, A replaced by T.
Protein change: p.Asp34Val; replaces aspartic acid 34 with valine.
Molecular consequence: missense variant. On other transcripts: intron variant (1).
Genome position (GRCh38, 1-based): chr1:154,273,383, A>T. VCF-style: chr1-154273383-A-T. GRCh37 (hg19) VCF-style: chr1-154245859-A-T.
Other names: c.54-97A>T (NM_001018837.2); short protein forms D34V.
Identifiers: ClinVar variation 5022578 (VCV005022578.1).
Genomic context (GRCh38, chr1:154,273,383, plus strand): 5'-CCTCCACTCTCAGCCACAGAGATCCCTTTTTTGGAGGGATGACTCGAGATGAAGATGATG[A>T]TGAGGAAGAAGAAGAAGAAGGGGGCTCATGGGGCCGTGGGAACCCAAGGTTCCATAGTCC-3'
Protein context (NP_006109.2, residues 24-44): FGGMTRDEDD[Asp34Val]EEEEEEGGSW